The following is an entry in ClinVar:

NM_006231.4(POLE):c.5730C>G (p.Cys1910Trp)

Gene: POLE (DNA polymerase epsilon, catalytic subunit; minus strand). Cytogenetic location: 12q24.33.
Variant type: single nucleotide variant.
Coding change: c.5730C>G on transcript NM_006231.4 (MANE Select); coding-DNA position 5730, C replaced by G.
Protein change: p.Cys1910Trp; replaces cysteine 1910 with tryptophan.
Molecular consequence: missense variant.
Genome position (GRCh38, 1-based): chr12:132,635,973, G>C on the plus strand (C>G on the coding strand, the complement: POLE is on the minus strand). VCF-style: chr12-132635973-G-C. GRCh37 (hg19) VCF-style: chr12-133212559-G-C.
Other names: c.5730C>G (NM_006231.2); short protein forms C1910W.
Identifiers: ClinVar variation 646180 (VCV000646180.19), dbSNP rs549163600, ClinGen allele CA6892410.

ClinVar aggregate classification (germline): Uncertain significance. Review status: criteria provided, multiple submitters, no conflicts (2 of 4 stars). 3 submissions from 3 submitters: Uncertain significance (3). Last evaluated 2025-12-09.

Conditions:
Hereditary cancer-predisposing syndrome. Also called: Hereditary Cancer Syndrome; Tumor predisposition; Hereditary neoplastic syndrome; Neoplastic Syndromes, Hereditary. Identifiers: Orphanet 140162, MedGen C0027672, MeSH D009386, MONDO:0015356.

Allele frequency attached by ClinVar (database versions not stated): gnomAD exomes 0.00001 and 0.00003; ExAC 0.00002.
gnomAD v4.1: 18 of 1,613,878 alleles (0.0011%); highest among the groups gnomAD compares: South Asian, 0.019%; no homozygotes.

Submissions (3):

Labcorp Genetics (formerly Invitae), Labcorp
Classification: Uncertain significance. Last evaluated: 2025-12-09. Review status: criteria provided, single submitter. Criteria: Invitae Variant Classification Sherloc (09022015). Collection method: clinical testing. Allele origin: germline.
Comment: This sequence change replaces cysteine, which is neutral and slightly polar, with tryptophan, which is neutral and slightly polar, at codon 1910 of the POLE protein (p.Cys1910Trp). This variant is present in population databases (rs549163600, gnomAD 0.02%). This variant has not been reported in the literature in individuals affected with POLE-related conditions. ClinVar contains an entry for this variant (Variation ID: 646180). Invitae Evidence Modeling of protein sequence and biophysical properties (such as structural, functional, and spatial information, amino acid conservation, physicochemical variation, residue mobility, and thermodynamic stability) indicates that this missense variant is not expected to disrupt POLE protein function with a negative predictive value of 80%. In summary, the available evidence is currently insufficient to determine the role of this variant in disease. Therefore, it has been classified as a Variant of Uncertain Significance.

Ambry Genetics
Classification: Uncertain significance for Hereditary cancer-predisposing syndrome. Last evaluated: 2025-10-01. Review status: criteria provided, single submitter. Criteria: Ambry Variant Classification Scheme 2023. Collection method: clinical testing. Allele origin: germline.
Comment: The p.C1910W variant (also known as c.5730C>G), located in coding exon 42 of the POLE gene, results from a C to G substitution at nucleotide position 5730. The cysteine at codon 1910 is replaced by tryptophan, an amino acid with highly dissimilar properties. This amino acid position is conserved. In addition, the in silico prediction for this alteration is inconclusive. Since supporting evidence is limited at this time, the clinical significance of this alteration remains unclear.

Center for Genomic Medicine, Rigshospitalet, Copenhagen University Hospital
Classification: Uncertain significance. Last evaluated: 2025-03-04. Review status: criteria provided, single submitter. Criteria: ACMG Guidelines, 2015. Collection method: clinical testing. Allele origin: germline.